The following is an entry in ClinVar:

NM_000312.4(PROC):c.1330T>C (p.Trp444Arg)

Gene: PROC (protein C, inactivator of coagulation factors Va and VIIIa; plus strand). Cytogenetic location: 2q14.3.
Variant type: single nucleotide variant.
Coding change: c.1330T>C on transcript NM_000312.4 (MANE Select); coding-DNA position 1330, T replaced by C.
Protein change: p.Trp444Arg; replaces tryptophan 444 with arginine.
Molecular consequence: missense variant.
Genome position (GRCh38, 1-based): chr2:127,428,890, T>C. VCF-style: chr2-127428890-T-C. GRCh37 (hg19) VCF-style: chr2-128186466-T-C.
Other names: p.Trp444Arg; c.1513T>C, p.Trp505Arg (NM_001375602.1); c.1495T>C, p.Trp499Arg (NM_001375603.1); c.1393T>C, p.Trp465Arg (NM_001375604.1); c.1432T>C, p.Trp478Arg (NM_001375605.1); c.1498T>C, p.Trp500Arg (NM_001375606.1); c.1516T>C, p.Trp506Arg (NM_001375607.1); c.1273T>C, p.Trp425Arg (NM_001375608.1); and 3 more; short protein forms W425R, W478R, W436R, W442R, W444R, W505R, W499R, W500R.
Identifiers: ClinVar variation 4540676 (VCV004540676.1).
Genomic context (GRCh38, chr2:127,428,890, plus strand): 5'-GAGGGCTGTGGGCTCCTTCACAACTACGGCGTTTACACCAAAGTCAGCCGCTACCTCGAC[T>C]GGATCCATGGGCACATCAGAGACAAGGAAGCCCCCCAGAAGAGCTGGGCACCTTAGCGAC-3'
Protein context (NP_000303.1, residues 434-454): VYTKVSRYLD[Trp444Arg]IHGHIRDKEA

ClinVar aggregate classification (germline): Pathogenic (1 of 4 stars; one submission).

Submission:

Mayo Clinic Laboratories, Mayo Clinic
Classification: Pathogenic. Last evaluated: 2025-03-12. Review status: criteria provided, single submitter. Criteria: ACMG Guidelines, 2015. Collection method: clinical testing. Allele origin: germline. Observed: 1 variant allele.
Comment: PP1_moderate, PP3_moderate, PM2_supporting, PM5, PS3

Literature cited by the submitters: PubMed 39724247.